The following is an entry in ClinVar:

ClinVar aggregate classification (germline): Likely pathogenic. Review status: criteria provided, multiple submitters, no conflicts (2 of 4 stars). 3 submissions from 3 submitters: Likely pathogenic (3). Last evaluated 2025-03-05.

Conditions:
Cystinosis. Also called: Cystine diathesis; Cystine storage disease; Cystinoses. Identifiers: Orphanet 213, MedGen C4316899, MONDO:0016239.
Inborn genetic diseases. Identifiers: MedGen C0950123, MeSH D030342.
Ocular cystinosis. Also called: Non-Nephropathic (Ocular) Cystinosis; Non-Nephropathic Cystinosis. Identifiers: Orphanet 213, Orphanet 411641, MedGen C2931013, MONDO:0009064, OMIM 219750.
Juvenile nephropathic cystinosis. Also called: Later-Onset (Juvenile) Cystinosis; Intermediate Cystinosis; CYSTINOSIS, LATE-ONSET JUVENILE OR ADOLESCENT NEPHROPATHIC TYPE. Identifiers: Orphanet 213, Orphanet 411634, MedGen C0268626, MONDO:0009066, OMIM 219900.

Submissions (3):

Myriad Genetics, Inc.
Classification: Likely pathogenic for Cystinosis. Last evaluated: 2025-03-05. Review status: criteria provided, single submitter. Criteria: Myriad Autosomal Dominant, Autosomal Recessive and X-Linked Classification Criteria (2023). Collection method: clinical testing. Allele origin: unknown.
Comment: NM_004937.2(CTNS):c.225+5G>A is an intronic variant classified as likely pathogenic in the context of cystinosis. c.225+5G>A has been observed in a case with relevant disease (PMID: 28649545). Relevant functional assessments of this variant are available in the literature (PMID: 28649545). c.225+5G>A has not been observed in referenced population frequency databases. In summary, NM_004937.2(CTNS):c.225+5G>A is an intronic variant that has functional support for pathogenicity and has been observed more frequently in cases with the relevant disease than in healthy populations. Please note: this variant was assessed in the context of healthy population screening.

Natera, Inc.
Classification: Likely pathogenic for Cystinosis. Last evaluated: 2024-07-31. Review status: criteria provided, single submitter. Criteria: Natera Variant Classification Schema (03/2026). Collection method: clinical testing. Allele origin: germline.
Comment: The c.225+5G>A variant in CTNS is an intronic variant located outside the canonical splice sites. This variant is rare in the general population with a frequency below the threshold expected for the associated phenotype(s). This variant has been observed in one or more individuals affected with the associated recessive disease, as either homozygous or compound heterozygous with a second variant (PMID: 28649545). Functional studies show that this variant may disrupt protein function (PMID: 28649545). Computational prediction algorithms indicate this variant is likely to affect gene or protein function. Given the available evidence, this variant is classified as Likely Pathogenic.

Labcorp Genetics (formerly Invitae), Labcorp
Classification: Likely pathogenic for Inborn genetic diseases; Ocular cystinosis; Juvenile nephropathic cystinosis. Last evaluated: 2023-04-17. Review status: criteria provided, single submitter. Criteria: Invitae Variant Classification Sherloc (09022015). Collection method: clinical testing. Allele origin: germline.
Comment: In summary, the currently available evidence indicates that the variant is pathogenic, but additional data are needed to prove that conclusively. Therefore, this variant has been classified as Likely Pathogenic. Variants that disrupt the consensus splice site are a relatively common cause of aberrant splicing (PMID: 17576681, 9536098). Studies have shown that this variant results in skipping of exon 5 and introduces a premature termination codon (PMID: 28649545). The resulting mRNA is expected to undergo nonsense-mediated decay. This variant has been observed in individual(s) with cystinosis (PMID: 28649545). In at least one individual the data is consistent with being in trans (on the opposite chromosome) from a pathogenic variant. This variant is not present in population databases (gnomAD no frequency). This sequence change falls in intron 5 of the CTNS gene. It does not directly change the encoded amino acid sequence of the CTNS protein. RNA analysis indicates that this variant induces altered splicing and may result in an absent or disrupted protein product.

Literature cited by the submitters: PubMed 28649545 (cited by 3 submitters); PubMed 17576681 (cited by Labcorp Genetics (formerly Invitae), Labcorp); PubMed 9536098 (cited by Labcorp Genetics (formerly Invitae), Labcorp).

NM_004937.3(CTNS):c.225+5G>A

Gene: CTNS (cystinosin, lysosomal cystine transporter; plus strand). Cytogenetic location: 17p13.2.
Variant type: single nucleotide variant.
Coding change: c.225+5G>A on transcript NM_004937.3 (MANE Select); 5 bases into the intron after coding-DNA position 225, G replaced by A.
Molecular consequence: intron variant.
Genome position (GRCh38, 1-based): chr17:3,648,936, G>A. VCF-style: chr17-3648936-G-A. GRCh37 (hg19) VCF-style: chr17-3552230-G-A.
Other names: c.225+5G>A (NM_001031681.3, NM_001374492.1, NM_004937.2); c.-217+1414G>A (NM_001374493.1, NM_001374496.1); c.-216-6062G>A (NM_001374495.1); c.-217+5G>A (NM_001374494.1).
Identifiers: ClinVar variation 2924704 (VCV002924704.5), dbSNP rs1463544406, ClinGen allele CA2243994642.
Genomic context (GRCh38, chr17:3,648,936, plus strand): 5'-CTTTTGAAATCACATTTCGTTCCAAAAATATTACTATCCTTGAGCTCCCCGATGAAGTAA[G>A]TAACCAATCTTAACGGATGGGTAGGGAAATGCTAGGTAACAGAACACATTTGAATTAAGA-3'